The following is an entry in ClinVar:

NM_001083962.2(TCF4):c.*5299A>G

Gene: TCF4 (transcription factor 4; minus strand). Cytogenetic location: 18q21.2.
Variant type: single nucleotide variant.
Coding change: c.*5299A>G on transcript NM_001083962.2 (MANE Select); 5299 bases downstream of the stop codon, A replaced by G.
Molecular consequence: 3 prime UTR variant.
Genome position (GRCh38, 1-based): chr18:55,222,736, T>C on the plus strand (A>G on the coding strand, the complement: TCF4 is on the minus strand). VCF-style: chr18-55222736-T-C. GRCh37 (hg19) VCF-style: chr18-52889967-T-C.
Other names: c.*5299A>G (NM_001243226.3, NM_001243227.2, NM_001243228.2 and 42 more transcripts).
Identifiers: ClinVar variation 327228 (VCV000327228.6), dbSNP rs1261085, ClinGen allele CA10651025.

ClinVar aggregate classification (germline): Benign. Review status: criteria provided, multiple submitters, no conflicts (2 of 4 stars). 2 submissions from 2 submitters: Benign (2). Last evaluated 2018-01-13.

Conditions:
Pitt-Hopkins syndrome (PTHS). Also called: ENCEPHALOPATHY, SEVERE EPILEPTIC, WITH AUTONOMIC DYSFUNCTION; MENTAL RETARDATION, SYNDROMAL, WITH INTERMITTENT HYPERVENTILATION. Identifiers: Orphanet 2896, MedGen C1970431, MONDO:0012589, OMIM 610954.

Allele frequency attached by ClinVar (database versions not stated): gnomAD exomes 0.35514; 1000 Genomes Project 0.39736; 1000 Genomes Project 30x 0.40319; TOPMed 0.44658.
gnomAD v4.1: 66,093 of 152,464 alleles (43%); highest among the groups gnomAD compares: African/African-American, 56%; 14,803 homozygotes.

Submissions (2):

Illumina Laboratory Services, Illumina
Classification: Benign for Pitt-Hopkins syndrome. Last evaluated: 2018-01-13. Review status: criteria provided, single submitter. Criteria: ICSL Variant Classification Criteria 13 December 2019. Collection method: clinical testing. Allele origin: germline.
Comment: This variant was observed in the ICSL laboratory as part of a predisposition screen in an ostensibly healthy population. It had not been previously curated by ICSL or reported in the Human Gene Mutation Database (HGMD: prior to June 1st, 2018), and was therefore a candidate for classification through an automated scoring system. Utilizing variant allele frequency, disease prevalence and penetrance estimates, and inheritance mode, an automated score was calculated to assess if this variant is too frequent to cause the disease. Based on the score and internal cut-off values, a variant classified as benign is not then subjected to further curation. The score for this variant resulted in a classification of benign for this disease.

Breakthrough Genomics
Classification: Benign. Review status: criteria provided, single submitter. Criteria: ACMG Guidelines, 2015. Collection method: not provided. Allele origin: germline. Inheritance: Autosomal dominant inheritance. Affected: yes.